The following is an entry in ClinVar:

ClinVar aggregate classification (germline): Uncertain significance (1 of 4 stars; one submission).

Allele frequency attached by ClinVar (database versions not stated): gnomAD exomes below 0.00001.
gnomAD v4.1: 5 of 1,538,216 alleles (0.00033%); highest among the groups gnomAD compares: Admixed American, 0.0017%; no homozygotes.

Submission:

Labcorp Genetics (formerly Invitae), Labcorp
Classification: Uncertain significance. Last evaluated: 2025-01-23. Review status: criteria provided, single submitter. Criteria: Invitae Variant Classification Sherloc (09022015). Collection method: clinical testing. Allele origin: germline.
Comment: This sequence change replaces phenylalanine, which is neutral and non-polar, with leucine, which is neutral and non-polar, at codon 285 of the RIPK1 protein (p.Phe285Leu). This variant is present in population databases (no rsID available, gnomAD 0.003%). This variant has not been reported in the literature in individuals affected with RIPK1-related conditions. ClinVar contains an entry for this variant (Variation ID: 1992046). An algorithm developed to predict the effect of missense changes on protein structure and function (PolyPhen-2) suggests that this variant is likely to be tolerated. In summary, the available evidence is currently insufficient to determine the role of this variant in disease. Therefore, it has been classified as a Variant of Uncertain Significance.

NM_001354930.2(RIPK1):c.853T>C (p.Phe285Leu)

Gene: RIPK1 (receptor interacting serine/threonine kinase 1; plus strand). Cytogenetic location: 6p25.2.
Variant type: single nucleotide variant.
Coding change: c.853T>C on transcript NM_001354930.2 (MANE Select); coding-DNA position 853, T replaced by C.
Protein change: p.Phe285Leu; replaces phenylalanine 285 with leucine.
Molecular consequence: missense variant.
Genome position (GRCh38, 1-based): chr6:3,089,595, T>C. VCF-style: chr6-3089595-T-C. GRCh37 (hg19) VCF-style: chr6-3089829-T-C.
Other names: c.364T>C, p.Phe122Leu (NM_001317061.3, NM_001354932.2, NM_001354933.2 and 1 more transcripts); c.715T>C, p.Phe239Leu (NM_001354931.2); c.853T>C, p.Phe285Leu (NM_003804.6); short protein forms F239L, F285L, F122L.
Identifiers: ClinVar variation 1992046 (VCV001992046.4), dbSNP rs1332044522, ClinGen allele CA362582966.
Genomic context (GRCh38, chr6:3,089,595, plus strand): 5'-TGTTAGAAAATAATTAAGAAATTTAAAGTACATTTTACTTTTACAGGCATTGAAGAAAAA[T>C]TTAGGCCTTTTTATTTAAGTCAATTAGAAGAAAGTGTAGAAGAGGACGTGAAGAGTTTAA-3'
Protein context (NP_001341859.1, residues 275-295): RPTFPGIEEK[Phe285Leu]RPFYLSQLEE